The following is an entry in ClinVar:

ClinVar aggregate classification (germline): Pathogenic (1 of 4 stars; one submission).

Conditions:
Cerebral cavernous malformation (CCM). Also called: Cavernous Hemangioma of Brain; Cerebral cavernous malformations; CAVERNOUS ANGIOMA, FAMILIAL; CAVERNOUS ANGIOMATOUS MALFORMATIONS; CEREBRAL CAPILLARY MALFORMATIONS; Cerebral cavernous hemangioma (type). Identifiers: Orphanet 221061, MedGen C2919945, MONDO:0000820, OMIM 116860, HP:0033522.

Submission:

Labcorp Genetics (formerly Invitae), Labcorp
Classification: Pathogenic for Cerebral cavernous malformation. Last evaluated: 2023-07-14. Review status: criteria provided, single submitter. Criteria: Invitae Variant Classification Sherloc (09022015). Collection method: clinical testing. Allele origin: germline.
Comment: For these reasons, this variant has been classified as Pathogenic. This premature translational stop signal has been observed in individual(s) with clinical features of KRIT1-related disorder (Invitae). This sequence change creates a premature translational stop signal (p.Phe708*) in the KRIT1 gene. While this is not anticipated to result in nonsense mediated decay, it is expected to disrupt the last 29 amino acid(s) of the KRIT1 protein. This variant is not present in population databases (gnomAD no frequency). ClinVar contains an entry for this variant (Variation ID: 840942). Experimental studies and prediction algorithms are not available or were not evaluated, and the functional significance of this variant is currently unknown. Algorithms developed to predict the effect of sequence changes on RNA splicing suggest that this variant may disrupt the consensus splice site. This variant disrupts a region of the KRIT1 protein in which other variant(s) (p.Thr712Glnfs*8) have been determined to be pathogenic (PMID: 16321204, 18380023; Invitae). This suggests that this is a clinically significant region of the protein, and that variants that disrupt it are likely to be disease-causing.

Literature cited by the submitters: PubMed 16321204; PubMed 18380023.

NM_194454.3(KRIT1):c.2122_2123insAAAT (p.Phe708Ter)

Gene: KRIT1 (KRIT1 ankyrin repeat containing; minus strand). Cytogenetic location: 7q21.2.
Variant type: Insertion.
Coding change: c.2122_2123insAAAT on transcript NM_194454.3 (MANE Select); coding-DNA positions 2122 to 2123, AAAT inserted.
Protein change: p.Phe708Ter; replaces phenylalanine 708 with a stop codon.
Molecular consequence: nonsense.
Genome position: GRCh38 VCF-style: chr7-92201326-A-AATTT. GRCh37 (hg19) VCF-style: chr7-91830640-A-AATTT.
Other names: c.1978_1979insAAAT, p.Phe660Ter (NM_001013406.2, NM_001350669.1, NM_001350670.1); c.1408_1409insAAAT, p.Phe470Ter (NM_001350671.1); c.2122_2123insAAAT, p.Phe708Ter (NM_001350672.1, NM_001350673.1, NM_001350674.1 and 26 more transcripts); short protein forms F470*, F660*, F708*.
Identifiers: ClinVar variation 840942 (VCV000840942.10), dbSNP rs1790085048, ClinGen allele CA916082300.